The following is an entry in ClinVar:

NM_000465.4(BARD1):c.748T>G (p.Ser250Ala)

Gene: BARD1 (BRCA1 associated RING domain 1; minus strand). Cytogenetic location: 2q35.
Variant type: single nucleotide variant.
Coding change: c.748T>G on transcript NM_000465.4 (MANE Select); coding-DNA position 748, T replaced by G.
Protein change: p.Ser250Ala; replaces serine 250 with alanine.
Molecular consequence: missense variant. On other transcripts: intron variant (3), non-coding transcript variant (2).
Genome position (GRCh38, 1-based): chr2:214,781,126, A>C on the plus strand (T>G on the coding strand, the complement: BARD1 is on the minus strand). VCF-style: chr2-214781126-A-C. GRCh37 (hg19) VCF-style: chr2-215645850-A-C.
Other names: c.215+15935T>G (NM_001282545.2); c.364+11171T>G (NM_001282549.2); c.691T>G, p.Ser231Ala (NM_001282543.2); c.158+28286T>G (NM_001282548.2); short protein forms S250A, S231A.
Identifiers: ClinVar variation 231824 (VCV000231824.14), dbSNP rs570022823, ClinGen allele CA10577834.

ClinVar aggregate classification (germline): Conflicting classifications of pathogenicity. Review status: criteria provided, conflicting classifications (1 of 4 stars). 2 submissions from 2 submitters: Uncertain significance (1); Likely benign (1). Last evaluated 2016-12-29.

Conditions:
Hereditary cancer-predisposing syndrome. Also called: Neoplastic Syndromes, Hereditary; Tumor predisposition; Hereditary Cancer Syndrome; Hereditary neoplastic syndrome. Identifiers: Orphanet 140162, MedGen C0027672, MeSH D009386, MONDO:0015356.
Familial cancer of breast. Also called: BREAST CANCER, FAMILIAL; hereditary breast carcinoma; Hereditary breast cancer. Identifiers: Orphanet 227535, MedGen C0346153, MONDO:0016419, OMIM 114480. Disease mechanism: loss of function.

gnomAD v4.1: 1 of 1,576,662 alleles (0.000063%); highest among the groups gnomAD compares: Non-Finnish European, 0.000086%; no homozygotes.

Submissions (2):

Labcorp Genetics (formerly Invitae), Labcorp
Classification: Uncertain significance for Familial cancer of breast. Last evaluated: 2016-12-29. Review status: criteria provided, single submitter. Criteria: Invitae Variant Classification Sherloc (09022015). Collection method: clinical testing. Allele origin: germline.
Comment: This variant is not present in population databases (ExAC no frequency) and has not been reported in the literature in individuals with a BARD1-related disease. ClinVar contains an entry for this variant (Variation ID: 231824). This sequence change replaces serine with alanine at codon 250 of the BARD1 protein (p.Ser250Ala). The serine residue is weakly conserved and there is a moderate physicochemical difference between serine and alanine. Algorithms developed to predict the effect of missense changes on protein structure and function output the following: (SIFT: "Tolerated"; PolyPhen-2: "Benign"; Align-GVGD: "Class C0"). The alanine amino acid residue is found in multiple mammalian species, suggesting that this missense change does not adversely affect protein function. These predictions have not been confirmed by published functional studies. In summary, this variant is a rare missense change that is not predicted to affect protein function. There is no indication that it causes disease, but the available evidence is currently insufficient to prove that conclusively. Therefore, it has been classified as a Variant of Uncertain Significance.

Ambry Genetics
Classification: Likely benign for Hereditary cancer-predisposing syndrome. Last evaluated: 2015-05-13. Review status: criteria provided, single submitter. Criteria: Ambry Variant Classification Scheme 2023. Collection method: clinical testing. Allele origin: germline.